The following is an entry in ClinVar:

NM_000454.5(SOD1):c.439del (p.Cys147fs)

Gene: SOD1 (superoxide dismutase 1; plus strand). Cytogenetic location: 21q22.11.
Variant type: Deletion.
Coding change: c.439del on transcript NM_000454.5 (MANE Select); coding-DNA position 439, one base deleted (T; older notation c.439delT).
Protein change: p.Cys147fs; shifts the reading frame from cysteine 147.
Molecular consequence: frameshift variant.
Genome position (GRCh38, 1-based): chr21:31,668,552, T deleted; the last of 2 consecutive T bases (chr21:31,668,551-31,668,552); deleting either gives the same sequence. VCF-style (leftmost placement, unchanged base first): chr21-31668550-CT-C. GRCh37 (hg19) VCF-style: chr21-33040863-CT-C.
Other names: c.439delT (NM_000454.5); short protein forms C147fs.
Identifiers: ClinVar variation 3897015 (VCV003897015.1).

ClinVar aggregate classification (germline): Likely pathogenic (1 of 4 stars; one submission).

Conditions:
Amyotrophic lateral sclerosis type 1 (ALS1). Also called: AMYOTROPHIC LATERAL SCLEROSIS 1, FAMILIAL. Identifiers: Orphanet 803, MedGen C1862939, MONDO:0007103, OMIM 105400.

Submission:

Kariminejad - Najmabadi Pathology & Genetics Center
Classification: Likely pathogenic for Amyotrophic lateral sclerosis type 1. Last evaluated: 2022-09-13. Review status: criteria provided, single submitter. Criteria: ACMG Guidelines, 2015. Collection method: clinical testing. Allele origin: germline. Inheritance: Autosomal dominant inheritance. Affected: yes.
Comment: Not Provided